The following is an entry in ClinVar:

ClinVar aggregate classification (germline): Uncertain significance (1 of 4 stars; one submission).

Conditions:
Isolated microphthalmia 5. Also called: Posterior Microphthalmia with Retinitis Pigmentosa, Foveoschisis, and Optic Disc Drusen. Identifiers: Orphanet 251279, MedGen C1970236, MONDO:0012605, OMIM 611040.

Submission:

Labcorp Genetics (formerly Invitae), Labcorp
Classification: Uncertain significance for Isolated microphthalmia 5. Last evaluated: 2022-04-09. Review status: criteria provided, single submitter. Criteria: Invitae Variant Classification Sherloc (09022015). Collection method: clinical testing. Allele origin: germline.
Comment: This sequence change replaces proline, which is neutral and non-polar, with alanine, which is neutral and non-polar, at codon 208 of the MFRP protein (p.Pro208Ala). This variant is not present in population databases (gnomAD no frequency). In summary, the available evidence is currently insufficient to determine the role of this variant in disease. Therefore, it has been classified as a Variant of Uncertain Significance. Algorithms developed to predict the effect of missense changes on protein structure and function are either unavailable or do not agree on the potential impact of this missense change (SIFT: "Tolerated"; PolyPhen-2: "Probably Damaging"; Align-GVGD: "Class C0"). This variant has not been reported in the literature in individuals affected with MFRP-related conditions.

NM_031433.4(MFRP):c.622C>G (p.Pro208Ala)

Genes: C1QTNF5 (C1q and TNF related 5; minus strand), MFRP (membrane frizzled-related protein; minus strand). Cytogenetic location: 11q23.3.
Variant type: single nucleotide variant.
Coding change: c.622C>G on transcript NM_031433.4 (MANE Select); coding-DNA position 622, C replaced by G.
Protein change: p.Pro208Ala; replaces proline 208 with alanine.
Molecular consequence: missense variant. On other transcripts: 5 prime UTR variant (1).
Genome position (GRCh38, 1-based): chr11:119,345,439, G>C on the plus strand (C>G on the coding strand, the complement: MFRP is on the minus strand). VCF-style: chr11-119345439-G-C. GRCh37 (hg19) VCF-style: chr11-119216149-G-C.
Other names: c.-2015C>G (NM_015645.5); short protein forms P208A.
Identifiers: ClinVar variation 2123550 (VCV002123550.4), dbSNP rs931949064, ClinGen allele CA382977919.